The following is an entry in ClinVar:

NM_001367943.1(TCF7L2):c.702G>A (p.Pro234=)

Gene: TCF7L2 (transcription factor 7 like 2; plus strand). Cytogenetic location: 10q25.3.
Variant type: single nucleotide variant.
Coding change: c.702G>A on transcript NM_001367943.1 (MANE Select); coding-DNA position 702, G replaced by A.
Protein change: p.Pro234=; no amino-acid change (proline 234 retained).
Molecular consequence: synonymous variant.
Genome position (GRCh38, 1-based): chr10:113,143,939, G>A. VCF-style: chr10-113143939-G-A. GRCh37 (hg19) VCF-style: chr10-114903698-G-A.
Other names: c.702G>A, p.Pro234= (NM_001146274.2, NM_001198531.2, NM_001363501.2); c.774G>A, p.Pro258= (NM_001146283.2); c.633G>A, p.Pro211= (NM_001146284.2, NM_001146285.2, NM_001146286.2 and 6 more transcripts); c.531G>A, p.Pro177= (NM_001198530.2); c.273G>A, p.Pro91= (NM_001349870.2); c.153G>A, p.Pro51= (NM_001349871.1).
Identifiers: ClinVar variation 720055 (VCV000720055.6), dbSNP rs369811726, ClinGen allele CA5692981.
Genomic context (GRCh38, chr10:113,143,939, plus strand): 5'-CTTCTCTCCCTCCTTTGTACCTAAAATGCTGCTTCTTCCCTCAGGAATCCCACGGCCTCC[G>A]CACCCTCCAGATATATCCCCGTATTACCCACTATCGCCTGGCACCGTAGGACAAATCCCC-3'
Protein context (NP_001354872.1, residues 224-244): VDPKTGIPRP[Pro234=]HPPDISPYYP

ClinVar aggregate classification (germline): Likely benign. Review status: criteria provided, multiple submitters, no conflicts (2 of 4 stars). 3 submissions from 3 submitters: Likely benign (2). 1 of the submissions does not count toward it. Last evaluated 2023-10-24.

Conditions:
TCF7L2-related disorder. Also called: TCF7L2-related condition.

Allele frequency attached by ClinVar (database versions not stated): gnomAD exomes 0.00006 and 0.00027; gnomAD 0.00013; ExAC 0.00019; TOPMed 0.00020.
gnomAD v4.1: 96 of 1,613,082 alleles (0.006%); highest among the groups gnomAD compares: Admixed American, 0.13%; no homozygotes.

Submissions (3):

Blueprint Genetics
Classification: Likely benign. Last evaluated: 2023-10-24. Review status: criteria provided, single submitter. Criteria: ACMG Guidelines, 2015. Collection method: clinical testing. Allele origin: germline.

Labcorp Genetics (formerly Invitae), Labcorp
Classification: Likely benign. Last evaluated: 2018-07-04. Review status: criteria provided, single submitter. Criteria: Invitae Variant Classification Sherloc (09022015). Collection method: clinical testing. Allele origin: germline.

PreventionGenetics, part of Exact Sciences
Classification: Likely benign for TCF7L2-related condition. Last evaluated: 2019-06-13. Review status: no assertion criteria provided. Collection method: clinical testing. Allele origin: germline. Not counted in ClinVar's aggregate classification.
Comment: This variant is classified as likely benign based on ACMG/AMP sequence variant interpretation guidelines (Richards et al. 2015 PMID: 25741868, with internal and published modifications).